The following is an entry in ClinVar:

ClinVar aggregate classification (germline): Conflicting classifications of pathogenicity. Review status: criteria provided, conflicting classifications (1 of 4 stars). 2 submissions from 2 submitters: Uncertain significance (1); Likely benign (1). Last evaluated 2025-08-26.

Conditions:
Fanconi anemia (FA). Also called: Fanconi's anemia. Identifiers: Orphanet 84, MedGen C0015625, MeSH D005199, MONDO:0019391.
Fanconi anemia complementation group I (FANCI). Also called: FANCI-Related Fanconi Anemia. Identifiers: Orphanet 84, MedGen C1836861, MONDO:0012186, OMIM 609053.

gnomAD v4.1: 4 of 1,614,006 alleles (0.00025%); highest among the groups gnomAD compares: Middle Eastern, 0.017%; no homozygotes.

Submissions (2):

Labcorp Genetics (formerly Invitae), Labcorp
Classification: Likely benign for Fanconi anemia. Last evaluated: 2025-08-26. Review status: criteria provided, single submitter. Criteria: Invitae Variant Classification Sherloc (09022015). Collection method: clinical testing. Allele origin: germline.

Baylor Genetics
Classification: Uncertain significance for Fanconi anemia complementation group I. Last evaluated: 2020-08-27. Review status: criteria provided, single submitter. Criteria: ACMG Guidelines, 2015. Collection method: clinical testing. Allele origin: unknown. Affected: yes. Study: CSER-TexasKidsCanSeq.
Comment: This variant was determined to be of uncertain significance according to ACMG Guidelines, 2015 [PMID:25741868].

NM_001113378.2(FANCI):c.546-5C>T

Gene: FANCI (FA complementation group I; plus strand). Cytogenetic location: 15q26.1.
Variant type: single nucleotide variant.
Coding change: c.546-5C>T on transcript NM_001113378.2 (MANE Select); 5 bases into the intron before coding-DNA position 546, C replaced by T.
Molecular consequence: intron variant.
Genome position (GRCh38, 1-based): chr15:89,263,898, C>T. VCF-style: chr15-89263898-C-T. GRCh37 (hg19) VCF-style: chr15-89807129-C-T.
Other names: c.546-5C>T (NM_018193.3, NM_001376911.1); c.267-5C>T (NM_001376910.1).
Identifiers: ClinVar variation 997524 (VCV000997524.3), dbSNP rs2052826764, ClinGen allele CA1139532390.